The following is an entry in ClinVar:

ClinVar aggregate classification (germline): Uncertain significance. Review status: criteria provided, multiple submitters, no conflicts (2 of 4 stars). 2 submissions from 2 submitters: Uncertain significance (2). Last evaluated 2024-05-07.

Conditions:
Inborn genetic diseases. Identifiers: MedGen C0950123, MeSH D030342.
Congenital myasthenic syndrome 8. Also called: Myasthenic syndrome, congenital, 8, with pre- and postsynaptic defects; MYASTHENIC SYNDROME, CONGENITAL, DUE TO AGRIN DEFICIENCY. Identifiers: Orphanet 590, MedGen C3808739, MONDO:0014052, OMIM 615120.

Allele frequency attached by ClinVar (database versions not stated): gnomAD exomes 0.00001; TOPMed 0.00001.
gnomAD v4.1: 10 of 1,612,964 alleles (0.00062%); highest among the groups gnomAD compares: Middle Eastern, 0.016%; no homozygotes.

Submissions (2):

Ambry Genetics
Classification: Uncertain significance for Inborn genetic diseases. Last evaluated: 2024-05-07. Review status: criteria provided, single submitter. Criteria: Ambry Variant Classification Scheme 2023. Collection method: clinical testing. Allele origin: germline.

Labcorp Genetics (formerly Invitae), Labcorp
Classification: Uncertain significance for Congenital myasthenic syndrome 8. Last evaluated: 2022-08-22. Review status: criteria provided, single submitter. Criteria: Invitae Variant Classification Sherloc (09022015). Collection method: clinical testing. Allele origin: germline.
Comment: This sequence change replaces arginine, which is basic and polar, with tryptophan, which is neutral and slightly polar, at codon 1192 of the AGRN protein (p.Arg1192Trp). This variant is present in population databases (rs565447598, gnomAD 0.006%). This variant has not been reported in the literature in individuals affected with AGRN-related conditions. ClinVar contains an entry for this variant (Variation ID: 1418676). Algorithms developed to predict the effect of missense changes on protein structure and function are either unavailable or do not agree on the potential impact of this missense change (SIFT: "Deleterious"; PolyPhen-2: "Probably Damaging"; Align-GVGD: "Class C0"). In summary, the available evidence is currently insufficient to determine the role of this variant in disease. Therefore, it has been classified as a Variant of Uncertain Significance.

NM_198576.4(AGRN):c.3574C>T (p.Arg1192Trp)

Gene: AGRN (agrin; plus strand). Cytogenetic location: 1p36.33.
Variant type: single nucleotide variant.
Coding change: c.3574C>T on transcript NM_198576.4 (MANE Select); coding-DNA position 3574, C replaced by T.
Protein change: p.Arg1192Trp; replaces arginine 1192 with tryptophan.
Molecular consequence: missense variant.
Genome position (GRCh38, 1-based): chr1:1,047,630, C>T. VCF-style: chr1-1047630-C-T. GRCh37 (hg19) VCF-style: chr1-983010-C-T.
Other names: c.3574C>T, p.Arg1192Trp (NM_001305275.2); c.3259C>T, p.Arg1087Trp (NM_001364727.2); c.3574C>T (NM_198576.3); short protein forms R1192W, R1087W.
Identifiers: ClinVar variation 1418676 (VCV001418676.4), dbSNP rs565447598, ClinGen allele CA509145.